The following is an entry in ClinVar:

NM_013266.4(CTNNA3):c.25T>G (p.Leu9Val)

Gene: CTNNA3 (catenin alpha 3; minus strand). Cytogenetic location: 10q21.3.
Variant type: single nucleotide variant.
Coding change: c.25T>G on transcript NM_013266.4 (MANE Select); coding-DNA position 25, T replaced by G.
Protein change: p.Leu9Val; replaces leucine 9 with valine.
Molecular consequence: missense variant.
Genome position (GRCh38, 1-based): chr10:67,647,489, A>C on the plus strand (T>G on the coding strand, the complement: CTNNA3 is on the minus strand). VCF-style: chr10-67647489-A-C. GRCh37 (hg19) VCF-style: chr10-69407247-A-C.
Other names: c.25T>G, p.Leu9Val (NM_001127384.3); c.61T>G, p.Leu21Val (NM_001291133.2); short protein forms L9V, L21V.
Identifiers: ClinVar variation 2743887 (VCV002743887.3), dbSNP rs1254887472, ClinGen allele CA377100294.
Genomic context (GRCh38, chr10:67,647,489, plus strand): 5'-GCTCCAGTAGCTTCTCCACGGTGAATGTTTGGACCTGCAGATCCTGAGGATCGATATTCA[A>C]TGTGATTGGTGTTTCAGCTGACATGCTGCCTGTGCACAAACACAAAAGGATGCTTATTAA-3'
Protein context (NP_037398.2, residues 1-19): MSAETPIT[Leu9Val]NIDPQDLQVQ

ClinVar aggregate classification (germline): Uncertain significance (1 of 4 stars; one submission).

Conditions:
Arrhythmogenic right ventricular dysplasia 13. Also called: ARRHYTHMOGENIC RIGHT VENTRICULAR CARDIOMYOPATHY 13; Arrhythmogenic right ventricular dysplasia, familial, 13. Identifiers: MedGen C3810138, MONDO:0000908, OMIM 615616.

Submission:

Labcorp Genetics (formerly Invitae), Labcorp
Classification: Uncertain significance for Arrhythmogenic right ventricular dysplasia 13. Last evaluated: 2023-07-16. Review status: criteria provided, single submitter. Criteria: Invitae Variant Classification Sherloc (09022015). Collection method: clinical testing. Allele origin: germline.
Comment: Advanced modeling of protein sequence and biophysical properties (such as structural, functional, and spatial information, amino acid conservation, physicochemical variation, residue mobility, and thermodynamic stability) performed at Invitae indicates that this missense variant is not expected to disrupt CTNNA3 protein function. This variant has not been reported in the literature in individuals affected with CTNNA3-related conditions. This variant is not present in population databases (gnomAD no frequency). This sequence change replaces leucine, which is neutral and non-polar, with valine, which is neutral and non-polar, at codon 9 of the CTNNA3 protein (p.Leu9Val). In summary, the available evidence is currently insufficient to determine the role of this variant in disease. Therefore, it has been classified as a Variant of Uncertain Significance.